The following is an entry in ClinVar:

ClinVar aggregate classification (germline): Uncertain significance (1 of 4 stars; one submission).

Submission:

CeGaT Center for Human Genetics Tuebingen
Classification: Uncertain significance. Last evaluated: 2024-07-01. Review status: criteria provided, single submitter. Criteria: CeGaT Center For Human Genetics Tuebingen Variant Classification Criteria Version 2. Collection method: clinical testing. Allele origin: germline. Affected: yes. Observed: 1 variant allele.
Comment: STAT3: PM2, PP2

NM_139276.3(STAT3):c.847A>G (p.Lys283Glu)

Gene: STAT3 (signal transducer and activator of transcription 3; minus strand). Cytogenetic location: 17q21.2.
Variant type: single nucleotide variant.
Coding change: c.847A>G on transcript NM_139276.3 (MANE Select); coding-DNA position 847, A replaced by G.
Protein change: p.Lys283Glu; replaces lysine 283 with glutamic acid.
Molecular consequence: missense variant.
Genome position (GRCh38, 1-based): chr17:42,334,000, T>C on the plus strand (A>G on the coding strand, the complement: STAT3 is on the minus strand). VCF-style: chr17-42334000-T-C. GRCh37 (hg19) VCF-style: chr17-40486018-T-C.
Other names: c.847A>G, p.Lys283Glu (NM_001369512.1, NM_001369513.1, NM_001369514.1 and 15 more transcripts); c.769A>G, p.Lys257Glu (NM_001384985.1); c.751A>G, p.Lys251Glu (NM_001384989.1); short protein forms K251E, K257E, K283E.
Identifiers: ClinVar variation 3257474 (VCV003257474.17).